The following is an entry in ClinVar:

NM_002878.4(RAD51D):c.667+5G>A

Genes: RAD51D (RAD51 paralog D; minus strand), RAD51L3-RFFL (RAD51L3-RFFL readthrough; minus strand). Cytogenetic location: 17q12.
Variant type: single nucleotide variant.
Coding change: c.667+5G>A on transcript NM_002878.4 (MANE Select); 5 bases into the intron after coding-DNA position 667, G replaced by A.
Molecular consequence: intron variant.
Genome position (GRCh38, 1-based): chr17:35,103,449, C>T on the plus strand (G>A on the coding strand, the complement: RAD51D is on the minus strand). VCF-style: chr17-35103449-C-T. GRCh37 (hg19) VCF-style: chr17-33430468-C-T.
Other names: c.331+5G>A (NM_133629.3); c.727+5G>A (NM_001142571.2).
Identifiers: ClinVar variation 1426327 (VCV001426327.9), dbSNP rs2142420121, ClinGen allele CA2573153493.
Genomic context (GRCh38, chr17:35,103,449, plus strand): 5'-CCAGACTCCAGAGCTGGGAGGCGAGGTCACATTCCACTGGCCCCAGGCTCTGCCACATCA[C>T]TCACCTTCCCTCTGCTGACCTCCCAGAAGTGGGGAAACCACCGCAGTGACCGAGTCCACA-3'

ClinVar aggregate classification (germline): Uncertain significance. Review status: criteria provided, multiple submitters, no conflicts (2 of 4 stars). 2 submissions from 2 submitters: Uncertain significance (2). Last evaluated 2025-04-09.

Conditions:
Hereditary cancer-predisposing syndrome. Also called: Tumor predisposition; Hereditary neoplastic syndrome; Neoplastic Syndromes, Hereditary; Hereditary Cancer Syndrome. Identifiers: Orphanet 140162, MedGen C0027672, MeSH D009386, MONDO:0015356.
Breast-ovarian cancer, familial, susceptibility to, 4. Identifiers: Orphanet 145, MedGen C3280345, MONDO:0013669, OMIM 614291.

Submissions (2):

Ambry Genetics
Classification: Uncertain significance for Hereditary cancer-predisposing syndrome. Last evaluated: 2025-04-09. Review status: criteria provided, single submitter. Criteria: Ambry Variant Classification Scheme 2023. Collection method: clinical testing. Allele origin: germline.
Comment: The c.667+5G>A intronic variant results from a G to A substitution 5 nucleotides after coding exon 7 in the RAD51D gene. This nucleotide position is highly conserved in available vertebrate species. In silico splice site analysis predicts that this alteration will weaken the native splice donor site and may result in the creation or strengthening of a novel splice donor site; however, direct evidence is insufficient at this time (Ambry internal data). Since supporting evidence is limited at this time, the clinical significance of this alteration remains unclear.

Labcorp Genetics (formerly Invitae), Labcorp
Classification: Uncertain significance for Breast-ovarian cancer, familial, susceptibility to, 4. Last evaluated: 2021-03-31. Review status: criteria provided, single submitter. Criteria: Invitae Variant Classification Sherloc (09022015). Collection method: clinical testing. Allele origin: germline.
Comment: In summary, the available evidence is currently insufficient to determine the role of this variant in disease. Therefore, it has been classified as a Variant of Uncertain Significance. Nucleotide substitutions within the consensus splice site are a relatively common cause of aberrant splicing (PMID: 17576681, 9536098). Algorithms developed to predict the effect of sequence changes on RNA splicing suggest that this variant may disrupt the consensus splice site, but this prediction has not been confirmed by published transcriptional studies. This variant has not been reported in the literature in individuals with RAD51D-related conditions. This variant is not present in population databases (ExAC no frequency). This sequence change falls in intron 7 of the RAD51D gene. It does not directly change the encoded amino acid sequence of the RAD51D protein. It affects a nucleotide within the consensus splice site of the intron.

Literature cited by the submitters: PubMed 17576681 (cited by Labcorp Genetics (formerly Invitae), Labcorp); PubMed 9536098 (cited by Labcorp Genetics (formerly Invitae), Labcorp).